The following is an entry in ClinVar:

ClinVar aggregate classification (germline): Likely benign. Review status: criteria provided, multiple submitters, no conflicts (2 of 4 stars). 3 submissions from 3 submitters: Likely benign (2). 1 of the submissions does not count toward it. Last evaluated 2025-07-29.

Conditions:
Neonatal-onset encephalopathy with rigidity and seizures. Also called: Lethal neonatal spasticity-epileptic encephalopathy syndrome. Identifiers: Orphanet 435845, MedGen C3281029, MONDO:0013784, OMIM 614498.
BRAT1-related disorder. Also called: BRAT1-related disorders; BRAT1-related condition.

Allele frequency attached by ClinVar (database versions not stated): TOPMed below 0.00001; gnomAD 0.00001; gnomAD exomes 0.00001 and 0.00004; ExAC 0.00005; 1000 Genomes Project 30x 0.00016; 1000 Genomes Project 0.00020.
gnomAD v4.1: 17 of 1,555,800 alleles (0.0011%); highest among the groups gnomAD compares: Middle Eastern, 0.042%; no homozygotes.

Submissions (3):

Labcorp Genetics (formerly Invitae), Labcorp
Classification: Likely benign for Neonatal-onset encephalopathy with rigidity and seizures. Last evaluated: 2025-07-29. Review status: criteria provided, single submitter. Criteria: Invitae Variant Classification Sherloc (09022015). Collection method: clinical testing. Allele origin: germline.

Blueprint Genetics
Classification: Likely benign. Last evaluated: 2022-07-06. Review status: criteria provided, single submitter. Criteria: ACMG Guidelines, 2015. Collection method: clinical testing. Allele origin: germline.

PreventionGenetics, part of Exact Sciences
Classification: Likely benign for BRAT1-related condition. Last evaluated: 2019-06-17. Review status: no assertion criteria provided. Collection method: clinical testing. Allele origin: germline. Not counted in ClinVar's aggregate classification.
Comment: This variant is classified as likely benign based on ACMG/AMP sequence variant interpretation guidelines (Richards et al. 2015 PMID: 25741868, with internal and published modifications).

NM_152743.4(BRAT1):c.1158C>T (p.Pro386=)

Gene: BRAT1 (BRCA1 associated ATM activator 1; minus strand). Cytogenetic location: 7p22.3.
Variant type: single nucleotide variant.
Coding change: c.1158C>T on transcript NM_152743.4 (MANE Select); coding-DNA position 1158, C replaced by T.
Protein change: p.Pro386=; no amino-acid change (proline 386 retained).
Molecular consequence: synonymous variant. On other transcripts: non-coding transcript variant (1).
Genome position (GRCh38, 1-based): chr7:2,541,461, G>A on the plus strand (C>T on the coding strand, the complement: BRAT1 is on the minus strand). VCF-style: chr7-2541461-G-A. GRCh37 (hg19) VCF-style: chr7-2581095-G-A.
Other names: c.1158C>T (NM_152743.3); c.1158C>T, p.Pro386= (NM_001350626.2); c.633C>T, p.Pro211= (NM_001350627.2).
Identifiers: ClinVar variation 1154289 (VCV001154289.12), dbSNP rs561476490, ClinGen allele CA4127892.
Genomic context (GRCh38, chr7:2,541,461, plus strand): 5'-GGCAGCCGAGCCGTCACAGAGCCGCAGGACAGTCACTGTAGCCCCCAGTAGAGACGCCTG[G>A]GGCCACGGTGAAGGGCGCTGGGGCTGCGAGGAAGAGGGCCGTCAGCCAAGGTTGCGGTCC-3'
Protein context (NP_689956.2, residues 376-396): QPLPQRPSPW[Pro386=]QASLLGATVT